The following is an entry in ClinVar:

ClinVar aggregate classification (germline): Conflicting classifications of pathogenicity. Review status: criteria provided, conflicting classifications (1 of 4 stars). 5 submissions from 4 submitters: Uncertain significance (4); Likely benign (1). Last evaluated 2025-12-24.

Conditions:
COL12A1-related disorder. Also called: COL12A1-related condition.
Ullrich congenital muscular dystrophy. Also called: Ullrich muscular dystrophy; Ullrich Congenital Muscular Dystrophy (UCMD). Identifiers: Orphanet 75840, MedGen C4551860, MONDO:0000355.
Ullrich congenital muscular dystrophy 2 (UCMD2). Identifiers: Orphanet 75840, MedGen C4225314, MONDO:0014654, OMIM 616470.
Bethlem myopathy 2 (BTHLM2). Identifiers: Orphanet 536516, Orphanet 610, MedGen C4225313, MONDO:0034022, OMIM 616471.

Allele frequency attached by ClinVar (database versions not stated): gnomAD 0.00001; gnomAD exomes 0.00001; TOPMed 0.00001.
gnomAD v4.1: 30 of 1,613,834 alleles (0.0019%); highest among the groups gnomAD compares: East Asian, 0.0089%; no homozygotes.

Submissions (5):

Labcorp Genetics (formerly Invitae), Labcorp
Classification: Likely benign for Bethlem myopathy 2; Ullrich congenital muscular dystrophy 2. Last evaluated: 2025-12-24. Review status: criteria provided, single submitter. Criteria: Invitae Variant Classification Sherloc (09022015). Collection method: clinical testing. Allele origin: germline.

PreventionGenetics, part of Exact Sciences
Classification: Uncertain significance for COL12A1-related condition. Last evaluated: 2023-01-05. Review status: criteria provided, single submitter. Criteria: ACMG Guidelines, 2015. Collection method: clinical testing. Allele origin: germline.
Comment: The COL12A1 c.2108C>T variant is predicted to result in the amino acid substitution p.Ala703Val. To our knowledge, this variant has not been reported in the literature. This variant is reported in 0.011% of alleles in individuals of East Asian descent in gnomAD. At this time, the clinical significance of this variant is uncertain due to the absence of conclusive functional and genetic evidence.

Revvity Omics, Revvity
Classification: Uncertain significance. Last evaluated: 2019-10-30. Review status: criteria provided, single submitter. Criteria: ACMG Guidelines, 2015. Collection method: clinical testing. Allele origin: germline.

Genomic Research Center, Shahid Beheshti University of Medical Sciences
Classification: Uncertain significance for Ullrich congenital muscular dystrophy 1A. Last evaluated: 2018-03-05. Review status: criteria provided, single submitter. Criteria: ACMG Guidelines, 2015. Collection method: clinical testing. Allele origin: inherited. Affected: yes. Observed: 1 variant allele.

Genomic Research Center, Shahid Beheshti University of Medical Sciences
Classification: Uncertain significance for Bethlem myopathy 2. Last evaluated: 2018-03-05. Review status: criteria provided, single submitter. Criteria: ACMG Guidelines, 2015. Collection method: clinical testing. Allele origin: inherited. Affected: yes. Observed: 1 variant allele.

NM_004370.6(COL12A1):c.2108C>T (p.Ala703Val)

Gene: COL12A1 (collagen type XII alpha 1 chain; minus strand). Cytogenetic location: 6q13.
Variant type: single nucleotide variant.
Coding change: c.2108C>T on transcript NM_004370.6 (MANE Select); coding-DNA position 2108, C replaced by T.
Protein change: p.Ala703Val; replaces alanine 703 with valine.
Molecular consequence: missense variant. On other transcripts: intron variant (1).
Genome position (GRCh38, 1-based): chr6:75,180,995, G>A on the plus strand (C>T on the coding strand, the complement: COL12A1 is on the minus strand). VCF-style: chr6-75180995-G-A. GRCh37 (hg19) VCF-style: chr6-75890711-G-A.
Other names: c.73+21725C>T (NM_080645.3); short protein forms A703V.
Identifiers: ClinVar variation 548487 (VCV000548487.19), dbSNP rs1013873051, ClinGen allele CA364766180.